The following is an entry in ClinVar:

NM_000388.4(CASR):c.2915C>T (p.Thr972Met)

Gene: CASR (calcium sensing receptor; plus strand). Cytogenetic location: 3q21.1.
Variant type: single nucleotide variant.
Coding change: c.2915C>T on transcript NM_000388.4 (MANE Select); coding-DNA position 2915, C replaced by T.
Protein change: p.Thr972Met; replaces threonine 972 with methionine.
Molecular consequence: missense variant.
Genome position (GRCh38, 1-based): chr3:122,284,869, C>T. VCF-style: chr3-122284869-C-T. GRCh37 (hg19) VCF-style: chr3-122003716-C-T.
Other names: c.2945C>T, p.Thr982Met (NM_001178065.2); short protein forms T972M, T982M.
Identifiers: ClinVar variation 342802 (VCV000342802.22), dbSNP rs200620134, ClinGen allele CA2569889.
Genomic context (GRCh38, chr3:122,284,869, plus strand): 5'-AGCAGCAACGATCTCAGCAGCAGCCCAGATGCAAGCAGAAGGTCATCTTTGGCAGCGGCA[C>T]GGTCACCTTCTCACTGAGCTTTGATGAGCCTCAGAAGAACGCCATGGCCCACAGGAATTC-3'
Protein context (NP_000379.3, residues 962-982): CKQKVIFGSG[Thr972Met]VTFSLSFDEP

ClinVar aggregate classification (germline): Conflicting classifications of pathogenicity. Review status: criteria provided, conflicting classifications (1 of 4 stars). 12 submissions from 9 submitters: Uncertain significance (9); Benign (1); Likely benign (1). 1 of the submissions does not count toward it. Last evaluated 2025-11-18.

Conditions:
Neonatal severe primary hyperparathyroidism. Identifiers: Orphanet 417, MedGen C1832615, MONDO:0009397, OMIM 239200.
Autosomal dominant hypocalcemia 1 (HYPOC1). Also called: HYPOCALCEMIA, FAMILIAL. Identifiers: MedGen C3715128, MONDO:0011013, OMIM 601198.
Familial hypocalciuric hypercalcemia (FHH). Also called: Familial benign hypercalcemia. Identifiers: Orphanet 405, MedGen C1809471, MONDO:0018458.
Familial hypoparathyroidism. Also called: Familial isolated hypoparathyroidism. Identifiers: Orphanet 2238, MedGen C1832648, MONDO:0016390.
Nephrolithiasis/nephrocalcinosis. Identifiers: MedGen CN580796.
Epilepsy, idiopathic generalized, susceptibility to, 8. Identifiers: MedGen C2752062, MONDO:0013032, OMIM 612899.
Familial hypocalciuric hypercalcemia 1. Also called: Hypercalcemia, familial benign type 1. Identifiers: Orphanet 405, Orphanet 93372, MedGen C0342637, MONDO:0007791, OMIM 145980.

Allele frequency attached by ClinVar (database versions not stated): gnomAD 0.00001 and 0.00002; TOPMed 0.00002; ExAC 0.00004; gnomAD exomes 0.00004; 1000 Genomes Project 0.00020; 1000 Genomes Project 30x 0.00031.
gnomAD v4.1: 64 of 1,614,202 alleles (0.004%); highest among the groups gnomAD compares: Middle Eastern, 0.049%; no homozygotes.

Submissions (12):

Labcorp Genetics (formerly Invitae), Labcorp
Classification: Likely benign for Familial hypocalciuric hypercalcemia; Autosomal dominant hypocalcemia 1. Last evaluated: 2025-11-18. Review status: criteria provided, single submitter. Criteria: Invitae Variant Classification Sherloc (09022015). Collection method: clinical testing. Allele origin: germline.

Genomic Medicine Center of Excellence, King Faisal Specialist Hospital and Research Centre
Classification: Uncertain significance for Familial hypocalciuric hypercalcemia 1. Last evaluated: 2024-03-26. Review status: criteria provided, single submitter. Criteria: ACMG Guidelines, 2015. Collection method: clinical testing. Allele origin: germline.

Fulgent Genetics
Classification: Uncertain significance for Familial hypocalciuric hypercalcemia 1; Neonatal severe primary hyperparathyroidism; Autosomal dominant hypocalcemia 1; Epilepsy, idiopathic generalized, susceptibility to, 8. Last evaluated: 2024-03-19. Review status: criteria provided, single submitter. Criteria: ACMG Guidelines, 2015. Collection method: clinical testing. Allele origin: germline.

Ambry Genetics
Classification: Uncertain significance for Nephrolithiasis/nephrocalcinosis. Last evaluated: 2024-03-18. Review status: criteria provided, single submitter. Criteria: Ambry Variant Classification Scheme 2023. Collection method: clinical testing. Allele origin: germline.
Comment: The p.T972M variant (also known as c.2915C>T), located in coding exon 6 of the CASR gene, results from a C to T substitution at nucleotide position 2915. The threonine at codon 972 is replaced by methionine, an amino acid with similar properties. This variant was identified in an individual with hypercalcemia, hypercalciuria, and improperly normal parathyroid hormone levels (Mastromatteo E et al. BMC Endocr Disord, 2014 Oct;14:81). This amino acid position is highly conserved in available vertebrate species. In addition, the in silico prediction for this alteration is inconclusive. In addition, the evidence for the gene-disease relationship is limited for pancreatitis and cancer predisposition; therefore, the clinical significance of this variant for CASR-related pancreatitis and cancer predisposition is unclear. Based on the available evidence, the clinical significance of this alteration remains unclear.

GeneDx
Classification: Uncertain significance. Last evaluated: 2020-12-21. Review status: criteria provided, single submitter. Criteria: GeneDx Variant Classification Process June 2021. Collection method: clinical testing. Allele origin: germline. Affected: yes.
Comment: Published functional studies demonstrate intermediate levels of glycosylated mature protein and reduced CaSR signaling activity (Mastromatteo 2014); In silico analysis supports that this missense variant does not alter protein structure/function; This variant is associated with the following publications: (PMID: 25292184, 26646938)

Mendelics
Classification: Uncertain significance for Familial hypocalciuric hypercalcemia 1. Last evaluated: 2019-05-28. Review status: criteria provided, single submitter. Criteria: Mendelics Assertion Criteria 2017. Collection method: clinical testing. Allele origin: unknown.

Athena Diagnostics
Classification: Uncertain significance. Last evaluated: 2018-01-29. Review status: criteria provided, single submitter. Criteria: Athena Diagnostics Criteria. Collection method: clinical testing. Allele origin: germline.

Illumina Laboratory Services, Illumina
Classification: Uncertain significance for Familial hypocalciuric hypercalcemia 1. Last evaluated: 2018-01-13. Review status: criteria provided, single submitter. Criteria: ICSL Variant Classification Criteria 13 December 2019. Collection method: clinical testing. Allele origin: germline.

Illumina Laboratory Services, Illumina
Classification: Uncertain significance for Autosomal dominant hypocalcemia 1. Last evaluated: 2018-01-13. Review status: criteria provided, single submitter. Criteria: ICSL Variant Classification Criteria 13 December 2019. Collection method: clinical testing. Allele origin: germline.

Illumina Laboratory Services, Illumina
Classification: Uncertain significance for Neonatal severe primary hyperparathyroidism. Last evaluated: 2018-01-13. Review status: criteria provided, single submitter. Criteria: ICSL Variant Classification Criteria 13 December 2019. Collection method: clinical testing. Allele origin: germline.

Illumina Laboratory Services, Illumina
Classification: Benign for Familial isolated hypoparathyroidism. Last evaluated: 2018-01-13. Review status: criteria provided, single submitter. Criteria: ICSL Variant Classification Criteria 13 December 2019. Collection method: clinical testing. Allele origin: germline.
Comment: This variant was observed in the ICSL laboratory as part of a predisposition screen in an ostensibly healthy population. It had not been previously curated by ICSL or reported in the Human Gene Mutation Database (HGMD: prior to June 1st, 2018), and was therefore a candidate for classification through an automated scoring system. Utilizing variant allele frequency, disease prevalence and penetrance estimates, and inheritance mode, an automated score was calculated to assess if this variant is too frequent to cause the disease. Based on the score and internal cut-off values, a variant classified as benign is not then subjected to further curation. The score for this variant resulted in a classification of benign for this disease.

OMIM
Classification: Pathogenic for HYPOCALCIURIC HYPERCALCEMIA, FAMILIAL, TYPE I. Last evaluated: 2018-07-25. Review status: no assertion criteria provided. Collection method: literature only. Allele origin: germline. Not counted in ClinVar's aggregate classification.

Literature cited by the submitters: PubMed 25292184 (cited by 3 submitters); PubMed 26646938 (cited by Ambry Genetics and Athena Diagnostics).